The following is an entry in ClinVar:

ClinVar aggregate classification (germline): Pathogenic (1 of 4 stars; one submission).

Submission:

Labcorp Genetics (formerly Invitae), Labcorp
Classification: Pathogenic. Last evaluated: 2024-02-24. Review status: criteria provided, single submitter. Criteria: Invitae Variant Classification Sherloc (09022015). Collection method: clinical testing. Allele origin: germline.
Comment: This sequence change creates a premature translational stop signal (p.Ser799*) in the NEXMIF gene. It is expected to result in an absent or disrupted protein product. Loss-of-function variants in NEXMIF are known to be pathogenic (PMID: 23615299). This variant is not present in population databases (gnomAD no frequency). This variant has not been reported in the literature in individuals affected with NEXMIF-related conditions. ClinVar contains an entry for this variant (Variation ID: 2029772). For these reasons, this variant has been classified as Pathogenic.

Literature cited by the submitters: PubMed 23615299.

NM_001008537.3(NEXMIF):c.2396C>A (p.Ser799Ter)

Gene: NEXMIF (neurite extension and migration factor; minus strand). Cytogenetic location: Xq13.3.
Variant type: single nucleotide variant.
Coding change: c.2396C>A on transcript NM_001008537.3 (MANE Select); coding-DNA position 2396, C replaced by A.
Protein change: p.Ser799Ter; replaces serine 799 with a stop codon.
Molecular consequence: nonsense.
Genome position (GRCh38, 1-based): chrX:74,742,161, G>T on the plus strand (C>A on the coding strand, the complement: NEXMIF is on the minus strand). VCF-style: chrX-74742161-G-T. GRCh37 (hg19) VCF-style: chrX-73961996-G-T.
Other names: short protein forms S799*.
Identifiers: ClinVar variation 2029772 (VCV002029772.4), dbSNP rs2519914016, ClinGen allele CA413668311.